The following is an entry in ClinVar:

NM_001844.5(COL2A1):c.1001G>A (p.Arg334Gln)

Gene: COL2A1 (collagen type II alpha 1 chain; minus strand). Cytogenetic location: 12q13.11.
Variant type: single nucleotide variant.
Coding change: c.1001G>A on transcript NM_001844.5 (MANE Select); coding-DNA position 1001, G replaced by A.
Protein change: p.Arg334Gln; replaces arginine 334 with glutamine.
Molecular consequence: missense variant.
Genome position (GRCh38, 1-based): chr12:47,992,900, C>T on the plus strand (G>A on the coding strand, the complement: COL2A1 is on the minus strand). VCF-style: chr12-47992900-C-T. GRCh37 (hg19) VCF-style: chr12-48386683-C-T.
Other names: c.794G>A, p.Arg265Gln (NM_033150.3); short protein forms R265Q, R334Q.
Identifiers: ClinVar variation 1313705 (VCV001313705.7), dbSNP rs765231668, ClinGen allele CA6535670.

ClinVar aggregate classification (germline): Conflicting classifications of pathogenicity. Review status: criteria provided, conflicting classifications (1 of 4 stars). 3 submissions from 3 submitters: Uncertain significance (1); Likely benign (1). 1 of the submissions does not count toward it. Last evaluated 2025-04-18.

Conditions:
Retinal dystrophy. Also called: Inherited retinal dystrophy. Identifiers: Orphanet 71862, MedGen C0854723, MeSH D058499, MONDO:0019118, HP:0000556.

Allele frequency attached by ClinVar (database versions not stated): gnomAD exomes 0.00001 and 0.00003; TOPMed 0.00001; gnomAD 0.00002; ExAC 0.00003.
gnomAD v4.1: 13 of 1,614,086 alleles (0.00081%); highest among the groups gnomAD compares: East Asian, 0.013%; no homozygotes.

Submissions (3):

Labcorp Genetics (formerly Invitae), Labcorp
Classification: Likely benign. Last evaluated: 2025-04-18. Review status: criteria provided, single submitter. Criteria: Invitae Variant Classification Sherloc (09022015). Collection method: clinical testing. Allele origin: germline.

GeneDx
Classification: Uncertain significance. Last evaluated: 2020-12-04. Review status: criteria provided, single submitter. Criteria: GeneDx Variant Classification Process June 2021. Collection method: clinical testing. Allele origin: germline. Affected: yes.
Comment: In silico analysis supports that this missense variant has a deleterious effect on protein structure/function; Has not been previously published as pathogenic or benign to our knowledge

Institute of Human Genetics, Univ. Regensburg, Univ. Regensburg
Classification: Uncertain significance for Retinal dystrophy. Last evaluated: 2022-01-01. Review status: no assertion criteria provided. Criteria: ACMG Guidelines, 2015. Collection method: clinical testing. Allele origin: germline. Affected: yes. Not counted in ClinVar's aggregate classification.